The following is an entry in ClinVar:

NM_001365276.2(TNXB):c.7695G>A (p.Ala2565=)

Gene: TNXB (tenascin XB; minus strand). Cytogenetic location: 6p21.33.
Variant type: single nucleotide variant.
Coding change: c.7695G>A on transcript NM_001365276.2 (MANE Select); coding-DNA position 7695, G replaced by A.
Protein change: p.Ala2565=; no amino-acid change (alanine 2565 retained).
Molecular consequence: synonymous variant.
Genome position (GRCh38, 1-based): chr6:32,058,188, C>T on the plus strand (G>A on the coding strand, the complement: TNXB is on the minus strand). VCF-style: chr6-32058188-C-T. GRCh37 (hg19) VCF-style: chr6-32025965-C-T.
Other names: c.7695G>A, p.Ala2565= (NM_019105.8).
Identifiers: ClinVar variation 1695156 (VCV001695156.34), dbSNP rs1017437631, ClinGen allele CA136906585.
Genomic context (GRCh38, chr6:32,058,188, plus strand): 5'-CTTGCGCCCAGGCTCCAGGCCCCTCACAGTGACCTTGCTCTCCTGGCCCCCAACACGCAC[C>T]GCCTGGGGCCGCCCGTCCCTGTCCTTGTACTGCACGGTGAAGGAGTCAAAGCGGCCCTGG-3'
Protein context (NP_001352205.1, residues 2555-2575): QYKDRDGRPQ[Ala2565=]VRVGGQESKV

ClinVar aggregate classification (germline): Likely benign. Review status: criteria provided, multiple submitters, no conflicts (2 of 4 stars). 3 submissions from 3 submitters: Likely benign (3). Last evaluated 2025-12-22.

Conditions:
Cardiovascular phenotype. Identifiers: MedGen CN230736.

Allele frequency attached by ClinVar (database versions not stated): gnomAD exomes below 0.00001 and 0.00001; gnomAD 0.00002 and 0.00003.
gnomAD v4.1: 21 of 1,612,446 alleles (0.0013%); highest among the groups gnomAD compares: African/African-American, 0.0067%; 1 homozygote.

Submissions (3):

Labcorp Genetics (formerly Invitae), Labcorp
Classification: Likely benign. Last evaluated: 2025-12-22. Review status: criteria provided, single submitter. Criteria: Invitae Variant Classification Sherloc (09022015). Collection method: clinical testing. Allele origin: germline.

CeGaT Center for Human Genetics Tuebingen
Classification: Likely benign. Last evaluated: 2022-06-01. Review status: criteria provided, single submitter. Criteria: CeGaT Center For Human Genetics Tuebingen Variant Classification Criteria Version 2. Collection method: clinical testing. Allele origin: germline. Affected: yes. Observed: 1 variant allele.
Comment: TNXB: BP4, BP7

Ambry Genetics
Classification: Likely benign for Cardiovascular phenotype. Last evaluated: 2021-04-07. Review status: criteria provided, single submitter. Criteria: Ambry Variant Classification Scheme 2023. Collection method: clinical testing. Allele origin: germline.